The following is an entry in ClinVar:

NM_000053.4(ATP7B):c.2383C>G (p.Leu795Val)

Gene: ATP7B (ATPase copper transporting beta; minus strand). Cytogenetic location: 13q14.3.
Variant type: single nucleotide variant.
Coding change: c.2383C>G on transcript NM_000053.4 (MANE Select); coding-DNA position 2383, C replaced by G.
Protein change: p.Leu795Val; replaces leucine 795 with valine.
Molecular consequence: missense variant. On other transcripts: intron variant (1).
Genome position (GRCh38, 1-based): chr13:51,957,580, G>C on the plus strand (C>G on the coding strand, the complement: ATP7B is on the minus strand). VCF-style: chr13-51957580-G-C. GRCh37 (hg19) VCF-style: chr13-52531716-G-C.
Other names: c.2131C>G, p.Leu711Val (NM_001330579.2, NM_001406531.1, NM_001406532.1 and 1 more transcripts); c.2383C>G, p.Leu795Val (NM_001406511.1, NM_001406512.1, NM_001406513.1 and 7 more transcripts); c.2350C>G, p.Leu784Val (NM_001406514.1); c.2287C>G, p.Leu763Val (NM_001406517.1, NM_001406518.1); c.2239C>G, p.Leu747Val (NM_001406520.1, NM_001406521.1, NM_001406522.1 and 1 more transcripts); c.2206C>G, p.Leu736Val (NM_001406524.1); c.2149C>G, p.Leu717Val (NM_001406527.1, NM_001406528.1, NM_001406534.1 and 2 more transcripts); c.2143C>G, p.Leu715Val (NM_001406530.1); and 8 more; short protein forms L579V, L601V, L633V, L652V, L679V, L684V, L685V, L711V.
Identifiers: ClinVar variation 3896127 (VCV003896127.2).

ClinVar aggregate classification (germline): Uncertain significance (1 of 4 stars; one submission).

Submission:

Women's Health and Genetics/Laboratory Corporation of America, LabCorp
Classification: Uncertain significance. Last evaluated: 2025-04-22. Review status: criteria provided, single submitter. Criteria: LabCorp Variant Classification Summary - May 2015. Collection method: clinical testing. Allele origin: germline.
Comment: Variant summary: ATP7B c.2383C>G (p.Leu795Val) results in a conservative amino acid change in the encoded protein sequence. Four of five in-silico tools predict a damaging effect of the variant on protein function. The variant was absent in 249580 control chromosomes. The available data on variant occurrences in the general population are insufficient to allow any conclusion about variant significance. c.2383C>G has been observed in one individual affected with hepatolenticular degeneration, without strong evidence for causality (Bayazutdinova_2019). These report(s) do not provide unequivocal conclusions about association of the variant with Wilson Disease. A different variant affecting the same codon has been classified as pathogenic by our lab (c.2383C>T, p.Leu795Phe), supporting the critical relevance of codon 795 to ATP7B protein function. To our knowledge, no experimental evidence demonstrating an impact on protein function has been reported. The following publication has been ascertained in the context of this evaluation (Bayazutdinova_2019). No submitters have cited clinical-significance assessments for this variant to ClinVar. Based on the evidence outlined above, the variant was classified as uncertain significance.